The following is an entry in ClinVar:

NM_152783.5(D2HGDH):c.862G>C (p.Gly288Arg)

Gene: D2HGDH (D-2-hydroxyglutarate dehydrogenase; plus strand). Cytogenetic location: 2q37.3.
Variant type: single nucleotide variant.
Coding change: c.862G>C on transcript NM_152783.5 (MANE Select); coding-DNA position 862, G replaced by C.
Protein change: p.Gly288Arg; replaces glycine 288 with arginine.
Molecular consequence: missense variant.
Genome position (GRCh38, 1-based): chr2:241,750,159, G>C. VCF-style: chr2-241750159-G-C. GRCh37 (hg19) VCF-style: chr2-242689574-G-C.
Other names: c.460G>C, p.Gly154Arg (NM_001287249.2); c.301G>C, p.Gly101Arg (NM_001352824.2); short protein forms G101R, G288R, G154R.
Identifiers: ClinVar variation 1435988 (VCV001435988.7), dbSNP rs757451444, ClinGen allele CA2221835.

ClinVar aggregate classification (germline): Uncertain significance (1 of 4 stars; one submission).

Conditions:
D-2-hydroxyglutaric aciduria 1 (D2HGA1). Identifiers: Orphanet 79315, MedGen C3152055, MONDO:0024554, OMIM 600721.

Allele frequency attached by ClinVar (database versions not stated): gnomAD exomes 0.00001; TOPMed 0.00001; ExAC 0.00002.
gnomAD v4.1: 8 of 1,614,090 alleles (0.0005%); highest among the groups gnomAD compares: Non-Finnish European, 0.00042%; no homozygotes.

Submission:

Labcorp Genetics (formerly Invitae), Labcorp
Classification: Uncertain significance for D-2-hydroxyglutaric aciduria 1. Last evaluated: 2022-06-14. Review status: criteria provided, single submitter. Criteria: Invitae Variant Classification Sherloc (09022015). Collection method: clinical testing. Allele origin: germline.
Comment: This sequence change replaces glycine, which is neutral and non-polar, with arginine, which is basic and polar, at codon 288 of the D2HGDH protein (p.Gly288Arg). This variant is present in population databases (rs757451444, gnomAD 0.002%). This variant has not been reported in the literature in individuals affected with D2HGDH-related conditions. Algorithms developed to predict the effect of missense changes on protein structure and function (SIFT, PolyPhen-2, Align-GVGD) all suggest that this variant is likely to be tolerated. In summary, the available evidence is currently insufficient to determine the role of this variant in disease. Therefore, it has been classified as a Variant of Uncertain Significance.